The following is an entry in ClinVar:

NM_000222.3(KIT):c.424G>C (p.Glu142Gln)

Gene: KIT (KIT proto-oncogene, receptor tyrosine kinase; plus strand). Cytogenetic location: 4q12.
Variant type: single nucleotide variant.
Coding change: c.424G>C on transcript NM_000222.3 (MANE Select); coding-DNA position 424, G replaced by C.
Protein change: p.Glu142Gln; replaces glutamic acid 142 with glutamine.
Molecular consequence: missense variant.
Genome position (GRCh38, 1-based): chr4:54,698,370, G>C. VCF-style: chr4-54698370-G-C. GRCh37 (hg19) VCF-style: chr4-55564536-G-C.
Other names: c.424G>C, p.Glu142Gln (NM_001093772.2, NM_001385284.1, NM_001385285.1 and 4 more transcripts); short protein forms E142Q.
Identifiers: ClinVar variation 1377178 (VCV001377178.8), dbSNP rs2109672623, ClinGen allele CA356897555.

ClinVar aggregate classification (germline): Uncertain significance (1 of 4 stars; one submission).

Conditions:
Gastrointestinal stromal tumor. Also called: Gastrointestinal stroma tumor; Gastrointestinal stromal tumor, somatic. Identifiers: Orphanet 44890, MedGen C0238198, MeSH D046152, MONDO:0011719, OMIM 606764, HP:0100723.

Submission:

Labcorp Genetics (formerly Invitae), Labcorp
Classification: Uncertain significance for Gastrointestinal stromal tumor. Last evaluated: 2021-04-17. Review status: criteria provided, single submitter. Criteria: Invitae Variant Classification Sherloc (09022015). Collection method: clinical testing. Allele origin: germline.
Comment: In summary, the available evidence is currently insufficient to determine the role of this variant in disease. Therefore, it has been classified as a Variant of Uncertain Significance. Algorithms developed to predict the effect of missense changes on protein structure and function output the following: SIFT: "Tolerated"; PolyPhen-2: "Benign"; Align-GVGD: "Class C0". The glutamine amino acid residue is found in multiple mammalian species, suggesting that this missense change does not adversely affect protein function. These predictions have not been confirmed by published functional studies and their clinical significance is uncertain. This variant has not been reported in the literature in individuals with KIT-related conditions. This variant is not present in population databases (ExAC no frequency). This sequence change replaces glutamic acid with glutamine at codon 142 of the KIT protein (p.Glu142Gln). The glutamic acid residue is moderately conserved and there is a small physicochemical difference between glutamic acid and glutamine.